The following is an entry in ClinVar:

NM_014845.6(FIG4):c.1312G>A (p.Glu438Lys)

Gene: FIG4 (FIG4 phosphoinositide 5-phosphatase; plus strand). Cytogenetic location: 6q21.
Variant type: single nucleotide variant.
Coding change: c.1312G>A on transcript NM_014845.6 (MANE Select); coding-DNA position 1312, G replaced by A.
Protein change: p.Glu438Lys; replaces glutamic acid 438 with lysine.
Molecular consequence: missense variant.
Genome position (GRCh38, 1-based): chr6:109,762,131, G>A. VCF-style: chr6-109762131-G-A. GRCh37 (hg19) VCF-style: chr6-110083334-G-A.
Other names: short protein forms E438K.
Identifiers: ClinVar variation 1488199 (VCV001488199.8), dbSNP rs2128391437, ClinGen allele CA365226138.

ClinVar aggregate classification (germline): Uncertain significance (1 of 4 stars; one submission).

Conditions:
Charcot-Marie-Tooth disease type 4. Also called: Charcot-Marie-Tooth disease, type IV; Charcot-Marie-Tooth, Type 4. Identifiers: Orphanet 64749, MedGen C4082197, MONDO:0018995.

Submission:

Labcorp Genetics (formerly Invitae), Labcorp
Classification: Uncertain significance for Charcot-Marie-Tooth disease type 4. Last evaluated: 2021-05-03. Review status: criteria provided, single submitter. Criteria: Invitae Variant Classification Sherloc (09022015). Collection method: clinical testing. Allele origin: germline.
Comment: In summary, the available evidence is currently insufficient to determine the role of this variant in disease. Therefore, it has been classified as a Variant of Uncertain Significance. Algorithms developed to predict the effect of missense changes on protein structure and function (SIFT, PolyPhen-2, Align-GVGD) all suggest that this variant is likely to be tolerated, but these predictions have not been confirmed by published functional studies and their clinical significance is uncertain. This variant has not been reported in the literature in individuals with FIG4-related conditions. This variant is not present in population databases (ExAC no frequency). This sequence change replaces glutamic acid with lysine at codon 438 of the FIG4 protein (p.Glu438Lys). The glutamic acid residue is highly conserved and there is a small physicochemical difference between glutamic acid and lysine.